The following is an entry in ClinVar:

NM_016239.4(MYO15A):c.9436C>T (p.His3146Tyr)

Gene: MYO15A (myosin XVA; plus strand). Cytogenetic location: 17p11.2.
Variant type: single nucleotide variant.
Coding change: c.9436C>T on transcript NM_016239.4 (MANE Select); coding-DNA position 9436, C replaced by T.
Protein change: p.His3146Tyr; replaces histidine 3146 with tyrosine.
Molecular consequence: missense variant.
Genome position (GRCh38, 1-based): chr17:18,161,366, C>T. VCF-style: chr17-18161366-C-T. GRCh37 (hg19) VCF-style: chr17-18064680-C-T.
Other names: short protein forms H3146Y.
Identifiers: ClinVar variation 164561 (VCV000164561.10), dbSNP rs201230033, ClinGen allele CA177267.

ClinVar aggregate classification (germline): Conflicting classifications of pathogenicity. Review status: criteria provided, conflicting classifications (1 of 4 stars). 5 submissions from 5 submitters: Uncertain significance (2); Benign (2); Likely benign (1). Last evaluated 2026-02-05.

Conditions:
MYO15A-related disorder. Also called: MYO15A-related condition.

Allele frequency attached by ClinVar (database versions not stated): gnomAD 0.00005 and 0.00006; TOPMed 0.00008; gnomAD exomes 0.00009; ExAC 0.00011; ESP Exome Variant Server 0.00016.
gnomAD v4.1: 179 of 1,614,082 alleles (0.011%); highest among the groups gnomAD compares: Middle Eastern, 0.033%; no homozygotes.

Submissions (5):

GeneDx
Classification: Uncertain significance. Last evaluated: 2026-02-05. Review status: criteria provided, single submitter. Criteria: GeneDx Variant Classification Process June 2021. Collection method: clinical testing. Allele origin: germline.
Comment: In silico analysis suggests that this missense variant does not alter protein structure/function; Has not been previously published as pathogenic or benign to our knowledge

Labcorp Genetics (formerly Invitae), Labcorp
Classification: Likely benign. Last evaluated: 2025-11-12. Review status: criteria provided, single submitter. Criteria: Invitae Variant Classification Sherloc (09022015). Collection method: clinical testing. Allele origin: germline.

PreventionGenetics, part of Exact Sciences
Classification: Uncertain significance for MYO15A-related condition. Last evaluated: 2024-12-09. Review status: criteria provided, single submitter. Criteria: ACMG Guidelines, 2015. Collection method: clinical testing. Allele origin: germline.
Comment: The MYO15A c.9436C>T variant is predicted to result in the amino acid substitution p.His3146Tyr. To our knowledge, this variant has not been reported in the literature. This variant is reported in 0.015% of alleles in individuals of European (Non-Finnish) descent in gnomAD. Alternative variant at the same codon p.His3146Pro has been observed in homozygous state in and individual with hearing loss (Table 1, Bazazzadegan et al. 2019. PubMed ID: 31850270). At this time, the clinical significance of the p.His3146Tyr variant is uncertain due to the absence of conclusive functional and genetic evidence.

Laboratory for Molecular Medicine, Mass General Brigham Personalized Medicine
Classification: Benign. Last evaluated: 2013-07-20. Review status: criteria provided, single submitter. Criteria: LMM Criteria. Collection method: clinical testing. Allele origin: germline. Observed: 1 variant allele.
Comment: His3146Tyr in Exon 57 of MYO15A: This variant is not expected to have clinical significance because the histidine (His) residue at position 3146 is poorly cons erved, with multiple species including mammals having a tyrosine (Tyr) at that position. It has also been identified in 1/8534 European American chromosomes an d 1/4294 African American chromosomes from a braod population by the NHLBI Exome Sequencing Project (dbSNP rs201230033).

Breakthrough Genomics
Classification: Benign. Review status: criteria provided, single submitter. Criteria: ACMG Guidelines, 2015. Collection method: not provided. Allele origin: germline. Inheritance: Autosomal recessive inheritance. Affected: yes.